The following is an entry in ClinVar:

NM_020778.5(ALPK3):c.1653G>C (p.Glu551Asp)

Genes: ALPK3 (alpha kinase 3; plus strand), LOC111718493 (skeletal muscle cis-regulatory module overlapping ALPK3; plus strand). Cytogenetic location: 15q25.3.
Variant type: single nucleotide variant.
Coding change: c.1653G>C on transcript NM_020778.5 (MANE Select); coding-DNA position 1653, G replaced by C.
Protein change: p.Glu551Asp; replaces glutamic acid 551 with aspartic acid.
Molecular consequence: missense variant.
Genome position (GRCh38, 1-based): chr15:84,840,932, G>C. VCF-style: chr15-84840932-G-C. GRCh37 (hg19) VCF-style: chr15-85384163-G-C.
Other names: short protein forms E551D.
Identifiers: ClinVar variation 1788564 (VCV001788564.3), dbSNP rs777847522, ClinGen allele CA7709243.

ClinVar aggregate classification (germline): Uncertain significance (1 of 4 stars; one submission).

Conditions:
Cardiovascular phenotype. Identifiers: MedGen CN230736.

Allele frequency attached by ClinVar (database versions not stated): TOPMed 0.00002; ExAC 0.00001; gnomAD 0.00001.
gnomAD v4.1: 2 of 1,568,302 alleles (0.00013%); highest among the groups gnomAD compares: African/African-American, 0.0027%; no homozygotes.

Submission:

Ambry Genetics
Classification: Uncertain significance for Cardiovascular phenotype. Last evaluated: 2026-07-24. Review status: criteria provided, single submitter. Criteria: Ambry Variant Classification Scheme 2023. Collection method: clinical testing. Allele origin: germline.
Comment: The c.2259G>C variant (also known as p.E753D), located in coding exon 5 of the ALPK3 gene, results from a G to C substitution at nucleotide position 2259. The amino acid change results in glutamic acid to aspartic acid at codon 753, an amino acid with highly similar properties. However, this change occurs in the last base pair of coding exon 5, which makes it likely to have some effect on normal mRNA splicing. This nucleotide position is well conserved in available vertebrate species. In silico splice site analysis for this alteration is inconclusive. This amino acid position is not well conserved in available vertebrate species. In addition, as missense substitution, this alteration is predicted to be tolerated by in silico analysis. Based on the available evidence, the clinical significance of this variant remains unclear.